The following is an entry in ClinVar:

NM_014270.5(SLC7A9):c.802_822dup (p.Tyr274_Phe275insIleLeuMetAsnValSerTyr)

Gene: SLC7A9 (solute carrier family 7 member 9; minus strand). Cytogenetic location: 19q13.11.
Variant type: Duplication.
Coding change: c.802_822dup on transcript NM_014270.5 (MANE Select); coding-DNA positions 802 to 822, 21 bases duplicated (ATCCTCATGAACGTGTCCTAC).
Protein change: p.Tyr274_Phe275insIleLeuMetAsnValSerTyr.
Molecular consequence: inframe insertion.
Genome position (GRCh38, 1-based): chr19:32,859,892-32,859,912, GTAGGACACGTTCATGAGGAT duplicated on the plus strand (ATCCTCATGAACGTGTCCTAC on the coding strand, the reverse complement: SLC7A9 is on the minus strand); duplicating any 21 consecutive bases within chr19:32,859,892-32,859,916 gives the same sequence; the c. name uses the placement nearest the transcript's 3' end. VCF-style (leftmost placement, unchanged base first): chr19-32859891-A-AGTAGGACACGTTCATGAGGAT. GRCh37 (hg19) VCF-style: chr19-33350797-A-AGTAGGACACGTTCATGAGGAT.
Other names: c.802_822dup, p.Tyr274_Phe275insIleLeuMetAsnValSerTyr (NM_001126335.2, NM_001243036.2).
Identifiers: ClinVar variation 2136055 (VCV002136055.1), dbSNP rs2513595774, ClinGen allele CA2580096884.

ClinVar aggregate classification (germline): Uncertain significance (1 of 4 stars; one submission).

Submission:

GeneDx
Classification: Uncertain significance. Last evaluated: 2022-07-14. Review status: criteria provided, single submitter. Criteria: GeneDx Variant Classification Process June 2021. Collection method: clinical testing. Allele origin: germline. Affected: yes.
Comment: Not observed at significant frequency in large population cohorts (gnomAD); In-frame insertion of 7 amino acids in a non-repeat region; Has not been previously published as pathogenic or benign to our knowledge